The following is an entry in ClinVar:

ClinVar aggregate classification (germline): Pathogenic. Review status: reviewed by expert panel (3 of 4 stars). 3 submissions from 3 submitters: Pathogenic (1). 2 of the submissions do not count toward it. Last evaluated 2017-12-15.

Conditions:
Breast-ovarian cancer, familial, susceptibility to, 2 (BROVCA2). Also called: BRCA2 Hereditary Breast and Ovarian Cancer. Identifiers: Orphanet 145, MedGen C2675520, MONDO:0012933, OMIM 612555. Disease mechanism: loss of function.
Hereditary cancer-predisposing syndrome. Also called: Hereditary Cancer Syndrome; Hereditary neoplastic syndrome; Tumor predisposition; Neoplastic Syndromes, Hereditary. Identifiers: Orphanet 140162, MedGen C0027672, MeSH D009386, MONDO:0015356.
Hereditary breast ovarian cancer syndrome. Also called: Hereditary breast and ovarian cancer syndrome; BRCA1- and BRCA2-Associated Hereditary Breast and Ovarian Cancer; Hereditary breast and ovarian cancer syndrome (HBOC); Hereditary breast and/or ovarian cancer syndrome; Hereditary breast and ovarian cancer; Breast and ovarian cancer. Identifiers: Orphanet 145, MedGen C0677776, MeSH D061325, MONDO:0003582. Disease mechanism: loss of function.

Submissions (3):

Evidence-based Network for the Interpretation of Germline Mutant Alleles (ENIGMA)
Classification: Pathogenic for Breast-ovarian cancer, familial, susceptibility to, 2. Last evaluated: 2017-12-15. Review status: reviewed by expert panel. Criteria: ENIGMA BRCA1/2 Classification Criteria (2017-06-29). Collection method: curation. Allele origin: germline. Study: ENIGMA.
Comment: Variant allele predicted to encode a truncated non-functional protein.

Women's Health and Genetics/Laboratory Corporation of America, LabCorp
Classification: Likely pathogenic for Hereditary breast ovarian cancer syndrome. Last evaluated: 2016-03-31. Review status: criteria provided, single submitter. Criteria: LabCorp Variant Classification Summary - May 2015. Collection method: clinical testing. Allele origin: germline. Not counted in ClinVar's aggregate classification.

Ambry Genetics
Classification: Pathogenic for Hereditary cancer-predisposing syndrome. Last evaluated: 2016-01-25. Review status: criteria provided, single submitter. Criteria: Ambry Variant Classification Scheme 2023. Collection method: clinical testing. Allele origin: germline. Not counted in ClinVar's aggregate classification.
Comment: The p.C393* pathogenic mutation (also known as c.1179T>A), located in coding exon 9 of the BRCA2 gene, results from a T to A substitution at nucleotide position 1179. This changes the amino acid from a cysteine to a stop codon within coding exon 9. Since premature stop codons are typically deleterious in nature, this alteration is interpreted as a disease-causing mutation (ACMG Recommendations for Standards for Interpretation and Reporting of Sequence Variations. Revision 2007. Genet Med. 2008;10:294).

NM_000059.4(BRCA2):c.1179T>A (p.Cys393Ter)

Gene: BRCA2 (BRCA2 DNA repair associated; plus strand). Cytogenetic location: 13q13.1.
Variant type: single nucleotide variant.
Coding change: c.1179T>A on transcript NM_000059.4 (MANE Select); coding-DNA position 1179, T replaced by A.
Protein change: p.Cys393Ter; replaces cysteine 393 with a stop codon.
Molecular consequence: nonsense.
Genome position (GRCh38, 1-based): chr13:32,332,657, T>A. VCF-style: chr13-32332657-T-A. GRCh37 (hg19) VCF-style: chr13-32906794-T-A.
Other names: short protein forms C393*.
Identifiers: ClinVar variation 441314 (VCV000441314.5), dbSNP rs786201237, ClinGen allele CA387761977.